The following is an entry in ClinVar:

NM_031229.4(RBCK1):c.997T>C (p.Ser333Pro)

Gene: RBCK1 (RANBP2-type and C3HC4-type zinc finger containing 1; plus strand). Cytogenetic location: 20p13.
Variant type: single nucleotide variant.
Coding change: c.997T>C on transcript NM_031229.4 (MANE Select); coding-DNA position 997, T replaced by C.
Protein change: p.Ser333Pro; replaces serine 333 with proline.
Molecular consequence: missense variant. On other transcripts: non-coding transcript variant (1).
Genome position (GRCh38, 1-based): chr20:422,206, T>C. VCF-style: chr20-422206-T-C. GRCh37 (hg19) VCF-style: chr20-402850-T-C.
Other names: c.487T>C, p.Ser163Pro (NM_001323956.2, NM_001323958.2); c.1048T>C, p.Ser350Pro (NM_001410770.1); c.871T>C, p.Ser291Pro (NM_006462.6); short protein forms S163P, S291P, S333P, S350P.
Identifiers: ClinVar variation 2425676 (VCV002425676.5), dbSNP rs1173875198, ClinGen allele CA407931038.

ClinVar aggregate classification (germline): Uncertain significance (1 of 4 stars; one submission).

Conditions:
Polyglucosan body myopathy type 1 (PGBM1). Also called: POLYGLUCOSAN BODY MYOPATHY WITHOUT IMMUNODEFICIENCY; Polyglucosan body myopathy 1 with or without immunodeficiency. Identifiers: Orphanet 329173, Orphanet 397937, MedGen C4014605, MONDO:0014389, OMIM 615895.

Allele frequency attached by ClinVar (database versions not stated): gnomAD exomes below 0.00001.
gnomAD v4.1: 1 of 1,613,424 alleles (0.000062%); highest among the groups gnomAD compares: Non-Finnish European, 0.000085%; no homozygotes.

Submission:

Labcorp Genetics (formerly Invitae), Labcorp
Classification: Uncertain significance for Polyglucosan body myopathy type 1. Last evaluated: 2022-02-02. Review status: criteria provided, single submitter. Criteria: Invitae Variant Classification Sherloc (09022015). Collection method: clinical testing. Allele origin: germline.
Comment: In summary, the available evidence is currently insufficient to determine the role of this variant in disease. Therefore, it has been classified as a Variant of Uncertain Significance. Algorithms developed to predict the effect of missense changes on protein structure and function output the following: SIFT: "Not Available"; PolyPhen-2: "Benign"; Align-GVGD: "Not Available". The proline amino acid residue is found in multiple mammalian species, which suggests that this missense change does not adversely affect protein function. This variant has not been reported in the literature in individuals affected with RBCK1-related conditions. This variant is present in population databases (no rsID available, gnomAD 0.01%). This sequence change replaces serine, which is neutral and polar, with proline, which is neutral and non-polar, at codon 333 of the RBCK1 protein (p.Ser333Pro).